The following is an entry in ClinVar:

NM_000264.5(PTCH1):c.2134C>T (p.Leu712Phe)

Genes: PTCH1 (patched 1; minus strand), LOC100507346 (uncharacterized LOC100507346; plus strand). Cytogenetic location: 9q22.32.
Variant type: single nucleotide variant.
Coding change: c.2134C>T on transcript NM_000264.5 (MANE Select); coding-DNA position 2134, C replaced by T.
Protein change: p.Leu712Phe; replaces leucine 712 with phenylalanine.
Molecular consequence: missense variant. On other transcripts: non-coding transcript variant (2).
Genome position (GRCh38, 1-based): chr9:95,468,867, G>A on the plus strand (C>T on the coding strand, the complement: PTCH1 is on the minus strand). VCF-style: chr9-95468867-G-A. GRCh37 (hg19) VCF-style: chr9-98231149-G-A.
Other names: c.1936C>T, p.Leu646Phe (NM_001083602.3); c.2131C>T, p.Leu711Phe (NM_001083603.3); c.1681C>T, p.Leu561Phe (NM_001083604.3, NM_001083605.3, NM_001083606.3 and 1 more transcripts); c.1978C>T, p.Leu660Phe (NM_001354918.2); short protein forms L646F, L712F, L660F, L561F, L711F.
Identifiers: ClinVar variation 135876 (VCV000135876.9), dbSNP rs587780696, ClinGen allele CA332478.

ClinVar aggregate classification (germline): Uncertain significance (1 of 4 stars; one submission).

Conditions:
Gorlin syndrome. Also called: Nevoid Basal Cell Carcinoma Syndrome; Basal cell nevus syndrome. Identifiers: Orphanet 377, MedGen C0004779, MONDO:0007187.

Submission:

Labcorp Genetics (formerly Invitae), Labcorp
Classification: Uncertain significance for Gorlin syndrome. Last evaluated: 2020-01-13. Review status: criteria provided, single submitter. Criteria: Invitae Variant Classification Sherloc (09022015). Collection method: clinical testing. Allele origin: germline.
Comment: In summary, the available evidence is currently insufficient to determine the role of this variant in disease. Therefore, it has been classified as a Variant of Uncertain Significance. Experimental studies and prediction algorithms are not available or were not evaluated, and the functional significance of this variant is currently unknown. This variant has not been reported in the literature in individuals with PTCH1-related conditions. ClinVar contains an entry for this variant (Variation ID: 135876). This variant is not present in population databases (ExAC no frequency). This sequence change replaces leucine with phenylalanine at codon 712 of the PTCH1 protein (p.Leu712Phe). The leucine residue is moderately conserved and there is a small physicochemical difference between leucine and phenylalanine.